The following is an entry in ClinVar:

NM_000053.4(ATP7B):c.464A>G (p.Gln155Arg)

Gene: ATP7B (ATPase copper transporting beta; minus strand). Cytogenetic location: 13q14.3.
Variant type: single nucleotide variant.
Coding change: c.464A>G on transcript NM_000053.4 (MANE Select); coding-DNA position 464, A replaced by G.
Protein change: p.Gln155Arg; replaces glutamine 155 with arginine.
Molecular consequence: missense variant.
Genome position (GRCh38, 1-based): chr13:51,974,756, T>C on the plus strand (A>G on the coding strand, the complement: ATP7B is on the minus strand). VCF-style: chr13-51974756-T-C. GRCh37 (hg19) VCF-style: chr13-52548892-T-C.
Other names: c.464A>G, p.Gln155Arg (NM_001243182.2, NM_001330578.2, NM_001330579.2 and 30 more transcripts); c.368A>G, p.Gln123Arg (NM_001406517.1, NM_001406518.1, NM_001406530.1 and 4 more transcripts); short protein forms Q123R, Q155R.
Identifiers: ClinVar variation 2070452 (VCV002070452.2), dbSNP rs2547822580, ClinGen allele CA388043964.

ClinVar aggregate classification (germline): Uncertain significance (1 of 4 stars; one submission).

Conditions:
Wilson disease (WND). Also called: Wilson's disease. Identifiers: Orphanet 905, MedGen C0019202, MONDO:0010200, OMIM 277900. Disease mechanism: loss of function.

Allele frequency attached by ClinVar (database versions not stated): gnomAD exomes below 0.00001.
gnomAD v4.1: 2 of 1,614,190 alleles (0.00012%); highest among the groups gnomAD compares: South Asian, 0.0022%; 1 homozygote.

Submission:

Labcorp Genetics (formerly Invitae), Labcorp
Classification: Uncertain significance for Wilson disease. Last evaluated: 2022-07-25. Review status: criteria provided, single submitter. Criteria: Invitae Variant Classification Sherloc (09022015). Collection method: clinical testing. Allele origin: germline.
Comment: This sequence change replaces glutamine, which is neutral and polar, with arginine, which is basic and polar, at codon 155 of the ATP7B protein (p.Gln155Arg). In summary, the available evidence is currently insufficient to determine the role of this variant in disease. Therefore, it has been classified as a Variant of Uncertain Significance. Advanced modeling of protein sequence and biophysical properties (such as structural, functional, and spatial information, amino acid conservation, physicochemical variation, residue mobility, and thermodynamic stability) performed at Invitae indicates that this missense variant is not expected to disrupt ATP7B protein function. This variant has not been reported in the literature in individuals affected with ATP7B-related conditions. This variant is not present in population databases (gnomAD no frequency).